The following is an entry in ClinVar:

NM_139319.3(SLC17A8):c.1568T>C (p.Ile523Thr)

Gene: SLC17A8 (solute carrier family 17 member 8; plus strand). Cytogenetic location: 12q23.1.
Variant type: single nucleotide variant.
Coding change: c.1568T>C on transcript NM_139319.3 (MANE Select); coding-DNA position 1568, T replaced by C.
Protein change: p.Ile523Thr; replaces isoleucine 523 with threonine.
Molecular consequence: missense variant.
Genome position (GRCh38, 1-based): chr12:100,419,957, T>C. VCF-style: chr12-100419957-T-C. GRCh37 (hg19) VCF-style: chr12-100813735-T-C.
Other names: c.1418T>C, p.Ile473Thr (NM_001145288.2); short protein forms I523T, I473T.
Identifiers: ClinVar variation 4989718 (VCV004989718.1).
Genomic context (GRCh38, chr12:100,419,957, plus strand): 5'-CTGGGGAGAAACAGGAGTGGGCTGACCCAGAGAATCTCTCTGAGGAGAAATGTGGAATCA[T>C]TGACCAGGACGAATTAGCTGAGGAGATAGAACTCAACCATGAGAGTTTTGCGAGTCCCAA-3'
Protein context (NP_647480.1, residues 513-533): ENLSEEKCGI[Ile523Thr]DQDELAEEIE

ClinVar aggregate classification (germline): Uncertain significance (1 of 4 stars; one submission).

Conditions:
SLC17A8-related disorder. Also called: SLC17A8-related condition.

gnomAD v4.1: 68 of 1,614,038 alleles (0.0042%); highest among the groups gnomAD compares: Non-Finnish European, 0.0058%; no homozygotes.

Submission:

PreventionGenetics, part of Exact Sciences
Classification: Uncertain significance for SLC17A8-related condition. Last evaluated: 2025-06-18. Review status: criteria provided, single submitter. Criteria: ACMG Guidelines, 2015. Collection method: clinical testing. Allele origin: germline.
Comment: The SLC17A8 c.1568T>C variant is predicted to result in the amino acid substitution p.Ile523Thr. To our knowledge, this variant has not been reported in the literature. This variant is reported in 0.011% of alleles in individuals of European (Non-Finnish) descent in gnomAD. Although we suspect that this variant may be benign, at this time, the clinical significance of this variant is uncertain due to the absence of conclusive functional and genetic evidence.